The following is an entry in ClinVar:

NM_001369.3(DNAH5):c.8274_8277delinsTGTGTATAAGAGACAGT (p.Glu2758fs)

Gene: DNAH5 (dynein axonemal heavy chain 5; minus strand). Cytogenetic location: 5p15.2.
Variant type: Indel.
Coding change: c.8274_8277delinsTGTGTATAAGAGACAGT on transcript NM_001369.3 (MANE Select); coding-DNA positions 8274 to 8277, AGTG replaced by TGTGTATAAGAGACAGT.
Protein change: p.Glu2758fs; shifts the reading frame from glutamic acid 2758.
Molecular consequence: frameshift variant.
Genome position (GRCh38, 1-based): chr5:13,792,165-13,792,168, CACT replaced by ACTGTCTCTTATACACA on the plus strand (AGTG replaced by TGTGTATAAGAGACAGT on the coding strand, the reverse complement: DNAH5 is on the minus strand). VCF-style: chr5-13792165-CACT-ACTGTCTCTTATACACA. GRCh37 (hg19) VCF-style: chr5-13792274-CACT-ACTGTCTCTTATACACA.
Other names: short protein forms E2758fs.
Identifiers: ClinVar variation 5010998 (VCV005010998.1).

ClinVar aggregate classification (germline): Pathogenic (1 of 4 stars; one submission).

Conditions:
Primary ciliary dyskinesia 3. Identifiers: Orphanet 244, MedGen C1837618, MONDO:0012085, OMIM 608644.

Submission:

Myriad Genetics, Inc.
Classification: Pathogenic for Primary ciliary dyskinesia 3. Last evaluated: 2024-05-14. Review status: criteria provided, single submitter. Criteria: Myriad Autosomal Dominant, Autosomal Recessive and X-Linked Classification Criteria (2023). Collection method: clinical testing. Allele origin: unknown.
Comment: NM_001369.2(DNAH5):c.8274_8277del4ins17(E2758Dfs*7) is expected to be pathogenic in the context of primary ciliary dyskinesia, DNAH5-related. This variant is predicted to lead to an abnormal or absent protein product due to the creation of a premature termination codon in DNAH5, a gene where loss-of-function variants are known to be pathogenic. Please note: this variant was assessed in the context of healthy population screening.